The following is an entry in ClinVar:

ClinVar aggregate classification (germline): Conflicting classifications of pathogenicity. Review status: criteria provided, conflicting classifications (1 of 4 stars). 2 submissions from 2 submitters: Uncertain significance (1); Likely benign (1). Last evaluated 2025-12-01.

gnomAD v4.1: 3 of 1,535,798 alleles (0.0002%); highest among the groups gnomAD compares: East Asian, 0.0073%; no homozygotes.

Submissions (2):

CeGaT Center for Human Genetics Tuebingen
Classification: Uncertain significance. Last evaluated: 2025-12-01. Review status: criteria provided, single submitter. Criteria: CeGaT Center For Human Genetics Tuebingen Variant Classification Criteria Version 2. Collection method: clinical testing. Allele origin: germline. Affected: yes. Observed: 1 variant allele.
Comment: PDZD7: PM2:Supporting, BP4

Labcorp Genetics (formerly Invitae), Labcorp
Classification: Likely benign. Last evaluated: 2025-07-29. Review status: criteria provided, single submitter. Criteria: Invitae Variant Classification Sherloc (09022015). Collection method: clinical testing. Allele origin: germline.

NM_001195263.2(PDZD7):c.2625C>T (p.Ser875=)

Gene: PDZD7 (PDZ domain containing 7; minus strand). Cytogenetic location: 10q24.31.
Variant type: single nucleotide variant.
Coding change: c.2625C>T on transcript NM_001195263.2 (MANE Select); coding-DNA position 2625, C replaced by T.
Protein change: p.Ser875=; no amino-acid change (serine 875 retained).
Molecular consequence: synonymous variant.
Genome position (GRCh38, 1-based): chr10:101,009,343, G>A on the plus strand (C>T on the coding strand, the complement: PDZD7 is on the minus strand). VCF-style: chr10-101009343-G-A. GRCh37 (hg19) VCF-style: chr10-102769100-G-A.
Other names: c.2622C>T, p.Ser874= (NM_001437429.1).
Identifiers: ClinVar variation 4681965 (VCV004681965.6).
Genomic context (GRCh38, chr10:101,009,343, plus strand): 5'-AGGGAAGATCTTCTCTATCTTCACCATGGGCTGCACCTTGGACTCAATGCCCCCAGAAAT[G>A]CTGATACCTAGTGACAGGGAGAAACACCGTGTGAGAGTGCAGCCGGACCCCAAAATGCAA-3'
Protein context (NP_001182192.1, residues 865-885): LSKMKQSLGI[Ser875=]ISGGIESKVQ